The following is an entry in ClinVar:

ClinVar aggregate classification (germline): Uncertain significance. Review status: criteria provided, multiple submitters, no conflicts (2 of 4 stars). 2 submissions from 2 submitters: Uncertain significance (2). Last evaluated 2022-04-19.

Conditions:
Spermatogenic failure 28. Identifiers: MedGen C4748117, MONDO:0054732, OMIM 618086.
Premature ovarian failure 15. Identifiers: MedGen C4748170, MONDO:0054862, OMIM 618096.
Fanconi anemia (FA). Also called: Fanconi's anemia. Identifiers: Orphanet 84, MedGen C0015625, MeSH D005199, MONDO:0019391.

Submissions (2):

Fulgent Genetics
Classification: Uncertain significance for Spermatogenic failure 28; Premature ovarian failure 15. Last evaluated: 2022-04-19. Review status: criteria provided, single submitter. Criteria: ACMG Guidelines, 2015. Collection method: clinical testing. Allele origin: unknown.

Labcorp Genetics (formerly Invitae), Labcorp
Classification: Uncertain significance for Fanconi anemia. Last evaluated: 2021-03-10. Review status: criteria provided, single submitter. Criteria: Invitae Variant Classification Sherloc (09022015). Collection method: clinical testing. Allele origin: germline.
Comment: This sequence change replaces lysine with arginine at codon 1485 of the FANCM protein (p.Lys1485Arg). The lysine residue is weakly conserved and there is a small physicochemical difference between lysine and arginine. This variant is not present in population databases (ExAC no frequency). This variant has not been reported in the literature in individuals with FANCM-related conditions. Algorithms developed to predict the effect of missense changes on protein structure and function output the following: SIFT: "Tolerated"; PolyPhen-2: "Benign"; Align-GVGD: "Class C0". The arginine amino acid residue is found in multiple mammalian species, suggesting that this missense change does not adversely affect protein function. These predictions have not been confirmed by published functional studies and their clinical significance is uncertain. In summary, the available evidence is currently insufficient to determine the role of this variant in disease. Therefore, it has been classified as a Variant of Uncertain Significance.

NM_020937.4(FANCM):c.4454A>G (p.Lys1485Arg)

Gene: FANCM (FA complementation group M; plus strand). Cytogenetic location: 14q21.2.
Variant type: single nucleotide variant.
Coding change: c.4454A>G on transcript NM_020937.4 (MANE Select); coding-DNA position 4454, A replaced by G.
Protein change: p.Lys1485Arg; replaces lysine 1485 with arginine.
Molecular consequence: missense variant.
Genome position (GRCh38, 1-based): chr14:45,183,841, A>G. VCF-style: chr14-45183841-A-G. GRCh37 (hg19) VCF-style: chr14-45653044-A-G.
Other names: c.4376A>G, p.Lys1459Arg (NM_001308133.2); short protein forms K1485R, K1459R.
Identifiers: ClinVar variation 1395563 (VCV001395563.9), dbSNP rs2139278064, ClinGen allele CA389607725.